The following is an entry in ClinVar:

NM_006517.5(SLC16A2):c.97_108del (p.Ser33_Glu36del)

Gene: SLC16A2 (solute carrier family 16 member 2; plus strand). Cytogenetic location: Xq13.2.
Variant type: Deletion.
Coding change: c.97_108del on transcript NM_006517.5 (MANE Select); coding-DNA positions 97 to 108, 12 bases deleted (TCTGAGCCGGAG).
Protein change: p.Ser33_Glu36del.
Molecular consequence: inframe deletion.
Genome position (GRCh38, 1-based): chrX:74,421,734-74,421,745, TCTGAGCCGGAG deleted; deleting any 12 consecutive bases within chrX:74,421,725-74,421,745 gives the same sequence; the c. name uses the placement nearest the transcript's 3' end. VCF-style (leftmost placement, unchanged base first): chrX-74421724-AGAGCCGGAGTCT-A. GRCh37 (hg19) VCF-style: chrX-73641559-AGAGCCGGAGTCT-A.
Other names: c.97_108del12 (NM_006517.5).
Identifiers: ClinVar variation 853120 (VCV000853120.11), dbSNP rs753170095, ClinGen allele CA10454361.

ClinVar aggregate classification (germline): Conflicting classifications of pathogenicity. Review status: criteria provided, conflicting classifications (1 of 4 stars). 3 submissions from 3 submitters: Uncertain significance (1); Benign (1); Likely benign (1). Last evaluated 2026-04-13.

Conditions:
Spastic paraplegia. Identifiers: MedGen C0037772, HP:0001258.

Submissions (3):

Women's Health and Genetics/Laboratory Corporation of America, LabCorp
Classification: Likely benign. Last evaluated: 2026-04-13. Review status: criteria provided, single submitter. Criteria: LabCorp Variant Classification Summary - May 2015. Collection method: clinical testing. Allele origin: germline.
Comment: Variant summary: SLC16A2 c.97_108del12 (p.Ser33_Glu36del) results in an in-frame deletion that is predicted to remove 4 amino acids from the encoded protein. The variant allele was found at a frequency of 3.3e-05 in 121818 control chromosomes in the gnomAD v2 database. The available data on variant occurrences in the general population are insufficient to allow any conclusion about variant significance. However a total of 18 hemizygotes of this variant were reported in the gnomAD v4 database. To our knowledge, no occurrence of c.97_108del12 in individuals affected with SLC16A2-related conditions and no experimental evidence demonstrating its impact on protein function have been reported. ClinVar contains an entry for this variant (Variation ID: 853120). Based on the evidence outlined above, the variant was classified as likely benign.

Labcorp Genetics (formerly Invitae), Labcorp
Classification: Uncertain significance for Spastic paraplegia. Last evaluated: 2024-06-14. Review status: criteria provided, single submitter. Criteria: Invitae Variant Classification Sherloc (09022015). Collection method: clinical testing. Allele origin: germline.
Comment: This variant, c.97_108del, results in the deletion of 4 amino acid(s) of the SLC16A2 protein (p.Ser33_Glu36del), but otherwise preserves the integrity of the reading frame. The frequency data for this variant in the population databases is considered unreliable, as metrics indicate poor data quality at this position in the gnomAD database. This variant has not been reported in the literature in individuals affected with SLC16A2-related conditions. ClinVar contains an entry for this variant (Variation ID: 853120). Experimental studies and prediction algorithms are not available or were not evaluated, and the functional significance of this variant is currently unknown. In summary, the available evidence is currently insufficient to determine the role of this variant in disease. Therefore, it has been classified as a Variant of Uncertain Significance.

GeneDx
Classification: Benign. Last evaluated: 2015-03-03. Review status: criteria provided, single submitter. Criteria: GeneDx Variant Classification Process June 2021. Collection method: clinical testing. Allele origin: germline. Affected: yes.